The following is an entry in ClinVar:

ClinVar aggregate classification (germline): Pathogenic (1 of 4 stars; one submission).

Conditions:
5q14.3 microdeletion.

Submission:

New York Genome Center
Classification: Pathogenic for 5q14.3 microdeletion. Last evaluated: 2023-04-04. Review status: criteria provided, single submitter. Criteria: NYGC Assertion Criteria 2020. Collection method: clinical testing. Allele origin: de novo. Affected: yes. Observed: 1 variant allele. Study: PrenatalSEQ.
Comment: An approximately ~5.49Mb de novo interstitial deletion was identified on the long arm of chromosome 5 (5q14.3). The deleted region contains 11 protein-coding genes (DECIPHER), 8 of which are OMIM-annotated and 3 of which are OMIM-disease associated genes (MEF2C, RASA1 and ADGRV1). Interstitial heterozygous deletions involving Chromosome 5q14 and minimally including MEF2C are associated with 5q14.3 deletion syndrome (AD, MIM# 613443). 5q14.3 microdeletions similar to the one identified here have been previously reported in multiple individuals in the literature with variable neurodevelopmental and brain abnormalities [PMID: 19876902, 19592390, 20412115, 23389741,20333642, 21626678, 28794905, 23824879, 26774077]. Furthermore, 5q14.3 contiguous deletions minimally containing both RASA1 and MEF2C genes have also been reported in individuals in the literature with a neurocutaneous syndrome including dermatologic and neurologic phenotypes [PMID: 21626678, 26774077]. Several microdeletions partially overlapping the one identified here have been deposited in ClinVar as Pathogenic (VarIDs:152918, 152422, 57325). Given its presence de novo here, presence of deletions with similar gene content reported in individuals in the literature, and the presence of multiple haploinsufficient genes within the deletion, the de novo ~5.49Mb interstitial deletion at 5q14.3 is classified as Pathogenic.

Literature cited by the submitters: PubMed 19876902; PubMed 19592390; PubMed 20412115; PubMed 23389741; PubMed 20333642; PubMed 21626678; PubMed 28794905; PubMed 23824879; PubMed 26774077.

GRCh38/hg38 5q14.3(chr5:86235182-91734581)

Genes: ADGRV1 (adhesion G protein-coupled receptor V1; plus strand), ARRDC3 (arrestin domain containing 3; minus strand), ARRDC3-AS1 (ARRDC3 antisense RNA 1; plus strand), CCNH (cyclin H; minus strand), CETN3 (centrin 3; minus strand) and 115 more. Cytogenetic location: 5q14.3.
Variant type: copy number loss.
Identifiers: ClinVar variation 3235905 (VCV003235905.1).